The following is an entry in ClinVar:

ClinVar aggregate classification (germline): Uncertain significance. Review status: criteria provided, multiple submitters, no conflicts (2 of 4 stars). 6 submissions from 6 submitters: Uncertain significance (6). Last evaluated 2025-11-24.

Conditions:
Hereditary cancer-predisposing syndrome. Also called: Neoplastic Syndromes, Hereditary; Tumor predisposition; Hereditary Cancer Syndrome; Hereditary neoplastic syndrome. Identifiers: Orphanet 140162, MedGen C0027672, MeSH D009386, MONDO:0015356.
Familial adenomatous polyposis 4 (FAP4). Also called: MSH3-related attenuated familial adenomatous polyposis. Identifiers: Orphanet 480536, MedGen C4310719, MONDO:0044300, OMIM 617100.
Endometrial carcinoma. Also called: Endometrial carcinoma, somatic. Identifiers: MedGen C0476089, MONDO:0002447, OMIM 608089, HP:0012114.

Allele frequency attached by ClinVar (database versions not stated): TOPMed 0.00001.
gnomAD v4.1: 21 of 1,614,110 alleles (0.0013%); highest among the groups gnomAD compares: Non-Finnish European, 0.0018%; no homozygotes.

Submissions (6):

Labcorp Genetics (formerly Invitae), Labcorp
Classification: Uncertain significance. Last evaluated: 2025-11-24. Review status: criteria provided, single submitter. Criteria: Invitae Variant Classification Sherloc (09022015). Collection method: clinical testing. Allele origin: germline.
Comment: This sequence change replaces isoleucine, which is neutral and non-polar, with valine, which is neutral and non-polar, at codon 906 of the MSH3 protein (p.Ile906Val). This variant is present in population databases (rs767359174, gnomAD 0.0009%). This variant has not been reported in the literature in individuals affected with MSH3-related conditions. ClinVar contains an entry for this variant (Variation ID: 648286). An algorithm developed to predict the effect of missense changes on protein structure and function (PolyPhen-2) suggests that this variant is likely to be disruptive. In summary, the available evidence is currently insufficient to determine the role of this variant in disease. Therefore, it has been classified as a Variant of Uncertain Significance.

Quest Diagnostics Nichols Institute San Juan Capistrano
Classification: Uncertain significance. Last evaluated: 2025-02-13. Review status: criteria provided, single submitter. Criteria: Quest Diagnostics criteria. Collection method: clinical testing. Allele origin: unknown.
Comment: The MSH3 c.2716A>G (p.Ile906Val) variant has not been reported in individuals with MSH3-related conditions in the published literature. The frequency of this variant in the general population (Genome Aggregation Database) is uninformative in the assessment of its pathogenicity. Analysis of this variant using bioinformatics tools for the prediction of the effect of amino acid changes on protein structure and function yielded predictions that this variant is damaging. Based on the available information, we are unable to determine the clinical significance of this variant.

St. Jude Molecular Pathology, St. Jude Children's Research Hospital
Classification: Uncertain significance for Familial adenomatous polyposis 4. Last evaluated: 2024-09-16. Review status: criteria provided, single submitter. Criteria: St. Jude Assertion Criteria 2020. Collection method: clinical testing. Allele origin: germline.
Comment: The MSH3 c.2716A>G (p.Ile906Val) missense change has a maximum subpopulation frequency of 0.0009% in gnomAD v2.1.1. The in silico tool REVEL is inconclusive about a pathogenic or benign effect of this variant on protein function, and to our knowledge functional studies have not been performed. To our knowledge, this variant has not been reported in individuals with MSH3-associated polyposis syndrome. In summary, the evidence currently available is insufficient to determine the clinical significance of this variant. It has therefore been classified as of uncertain significance.

Ambry Genetics
Classification: Uncertain significance for Hereditary cancer-predisposing syndrome. Last evaluated: 2023-12-25. Review status: criteria provided, single submitter. Criteria: Ambry Variant Classification Scheme 2023. Collection method: clinical testing. Allele origin: germline.
Comment: The p.I906V variant (also known as c.2716A>G), located in coding exon 20 of the MSH3 gene, results from an A to G substitution at nucleotide position 2716. The isoleucine at codon 906 is replaced by valine, an amino acid with highly similar properties. This amino acid position is highly conserved in available vertebrate species. In addition, the in silico prediction for this alteration is inconclusive. Since supporting evidence is limited at this time, the clinical significance of this alteration remains unclear.

Baylor Genetics
Classification: Uncertain significance for Endometrial carcinoma. Last evaluated: 2023-10-05. Review status: criteria provided, single submitter. Criteria: ACMG Guidelines, 2015. Collection method: clinical testing. Allele origin: unknown.

Sema4
Classification: Uncertain significance for Hereditary cancer-predisposing syndrome. Last evaluated: 2021-07-18. Review status: criteria provided, single submitter. Criteria: Sema4 Curation Guidelines. Collection method: curation. Allele origin: germline.
Comment: The MSH3 c.2716A>G (p.I906V) variant has not been reported in the literature to our knowledge. It was observed in 1/113740 chromosomes of the Non-Finnish European subpopulation in the large and broad cohorts of the Genome Aggregation Database (PMID: 32461654). The variant has been reported in ClinVar (Variation ID 648286). Functional studies have not been performed and in silico predictions of the variant's effect on protein function are inconclusive. The evidence is insufficient to meet ACMG/AMP criteria for classifying the variant as benign or pathogenic. Thus, the clinical significance of this variant is currently uncertain.

NM_002439.5(MSH3):c.2716A>G (p.Ile906Val)

Gene: MSH3 (mutS homolog 3; plus strand). Cytogenetic location: 5q14.1.
Variant type: single nucleotide variant.
Coding change: c.2716A>G on transcript NM_002439.5 (MANE Select); coding-DNA position 2716, A replaced by G.
Protein change: p.Ile906Val; replaces isoleucine 906 with valine.
Molecular consequence: missense variant.
Genome position (GRCh38, 1-based): chr5:80,813,644, A>G. VCF-style: chr5-80813644-A-G. GRCh37 (hg19) VCF-style: chr5-80109463-A-G.
Other names: short protein forms I906V.
Identifiers: ClinVar variation 648286 (VCV000648286.18), dbSNP rs767359174, ClinGen allele CA3328333.
Genomic context (GRCh38, chr5:80,813,644, plus strand): 5'-GAGGACTCAGAGAGAGTAATGATAATTACCGGACCAAACATGGGTGGAAAGAGCTCCTAC[A>G]TAAAACAAGTTGCATTGATTACCATCATGGCTCAGATTGGCTCCTATGTTCCTGCAGAAG-3'
Protein context (NP_002430.3, residues 896-916): GPNMGGKSSY[Ile906Val]KQVALITIMA